The following is an entry in ClinVar:

ClinVar aggregate classification (germline): Likely benign. Review status: criteria provided, multiple submitters, no conflicts (2 of 4 stars). 4 submissions from 4 submitters: Likely benign (3). 1 of the submissions does not count toward it. Last evaluated 2026-01-27.

Conditions:
Hereditary spastic paraplegia 7 (SPG7). Also called: SPASTIC PARAPLEGIA 7, AUTOSOMAL RECESSIVE, WITH OR WITHOUT CEREBELLAR ATAXIA; Spastic paraplegia 7; Hereditary spastic paraplegia Paraplegin type; Autosomal recessive spastic paraplegia type 7; SPG7-related neurologic disorder. Identifiers: Orphanet 99013, MedGen C1846564, MONDO:0011803, OMIM 607259.
SPG7-related disorder. Also called: SPG7-related condition.

Allele frequency attached by ClinVar (database versions not stated): gnomAD exomes 0.00014; 1000 Genomes Project 30x 0.00016; 1000 Genomes Project 0.00020; ExAC 0.00022; ESP Exome Variant Server 0.00031; gnomAD 0.00056 and 0.00061; TOPMed 0.00065.
gnomAD v4.1: 289 of 1,591,120 alleles (0.018%); highest among the groups gnomAD compares: African/African-American, 0.17%; no homozygotes.

Submissions (4):

Labcorp Genetics (formerly Invitae), Labcorp
Classification: Likely benign for Hereditary spastic paraplegia 7. Last evaluated: 2026-01-27. Review status: criteria provided, single submitter. Criteria: Invitae Variant Classification Sherloc (09022015). Collection method: clinical testing. Allele origin: germline.

Women's Health and Genetics/Laboratory Corporation of America, LabCorp
Classification: Likely benign. Last evaluated: 2023-12-22. Review status: criteria provided, single submitter. Criteria: LabCorp Variant Classification Summary - May 2015. Collection method: clinical testing. Allele origin: germline.

GeneDx
Classification: Likely benign. Last evaluated: 2017-11-09. Review status: criteria provided, single submitter. Criteria: GeneDx Variant Classification (06012015). Collection method: clinical testing. Allele origin: germline. Affected: yes.
Comment: This variant is considered likely benign or benign based on one or more of the following criteria: it is a conservative change, it occurs at a poorly conserved position in the protein, it is predicted to be benign by multiple in silico algorithms, and/or has population frequency not consistent with disease.

PreventionGenetics, part of Exact Sciences
Classification: Likely benign for SPG7-related condition. Last evaluated: 2022-06-08. Review status: no assertion criteria provided. Collection method: clinical testing. Allele origin: germline. Not counted in ClinVar's aggregate classification.
Comment: This variant is classified as likely benign based on ACMG/AMP sequence variant interpretation guidelines (Richards et al. 2015 PMID: 25741868, with internal and published modifications).

NM_003119.4(SPG7):c.1936+13G>A

Gene: SPG7 (SPG7 matrix AAA peptidase subunit, paraplegin; plus strand). Cytogenetic location: 16q24.3.
Variant type: single nucleotide variant.
Coding change: c.1936+13G>A on transcript NM_003119.4 (MANE Select); 13 bases into the intron after coding-DNA position 1936, G replaced by A.
Molecular consequence: intron variant.
Genome position (GRCh38, 1-based): chr16:89,553,148, G>A. VCF-style: chr16-89553148-G-A. GRCh37 (hg19) VCF-style: chr16-89619556-G-A.
Other names: c.1936+13G>A (NM_001363850.1, NM_003119.3).
Identifiers: ClinVar variation 516689 (VCV000516689.12), dbSNP rs147242721, ClinGen allele CA8244452.